The following is an entry in ClinVar:

NM_144596.4(TTC8):c.1340T>C (p.Val447Ala)

Gene: TTC8 (tetratricopeptide repeat domain 8; plus strand). Cytogenetic location: 14q31.3.
Variant type: single nucleotide variant.
Coding change: c.1340T>C on transcript NM_144596.4 (MANE Select); coding-DNA position 1340, T replaced by C.
Protein change: p.Val447Ala; replaces valine 447 with alanine.
Molecular consequence: missense variant. On other transcripts: non-coding transcript variant (1).
Genome position (GRCh38, 1-based): chr14:88,872,445, T>C. VCF-style: chr14-88872445-T-C. GRCh37 (hg19) VCF-style: chr14-89338789-T-C.
Other names: c.1388T>C, p.Val463Ala (NM_001288781.1); c.746T>C, p.Val249Ala (NM_001288782.1); c.623T>C, p.Val208Ala (NM_001288783.1); c.1310T>C, p.Val437Ala (NM_001366535.2, NM_198309.3); c.1220T>C, p.Val407Ala (NM_001366536.2, NM_198310.3); c.1310T>C (NM_198309.2); short protein forms V208A, V249A, V463A, V407A, V447A, V437A.
Identifiers: ClinVar variation 2153993 (VCV002153993.7), dbSNP rs775992377, ClinGen allele CA7302719.

ClinVar aggregate classification (germline): Uncertain significance. Review status: criteria provided, multiple submitters, no conflicts (2 of 4 stars). 4 submissions from 4 submitters: Uncertain significance (4). Last evaluated 2025-05-07.

Conditions:
Inborn genetic diseases. Identifiers: MedGen C0950123, MeSH D030342.
Bardet-Biedl syndrome (BBS). Identifiers: Orphanet 110, MedGen C0752166, MONDO:0015229.
Bardet-Biedl syndrome 8 (BBS8). Identifiers: Orphanet 110, MedGen C1859566, MONDO:0014436, OMIM 615985.
Retinitis pigmentosa 51 (RP51). Identifiers: Orphanet 791, MedGen C3150715, MONDO:0013274, OMIM 613464.

Allele frequency attached by ClinVar (database versions not stated): gnomAD exomes 0.00001; ExAC 0.00002; TOPMed 0.00002; gnomAD 0.00003.
gnomAD v4.1: 14 of 1,613,674 alleles (0.00087%); highest among the groups gnomAD compares: East Asian, 0.025%; no homozygotes.

Submissions (4):

Ambry Genetics
Classification: Uncertain significance for Inborn genetic diseases. Last evaluated: 2025-05-07. Review status: criteria provided, single submitter. Criteria: Ambry Variant Classification Scheme 2023. Collection method: clinical testing. Allele origin: germline.

Labcorp Genetics (formerly Invitae), Labcorp
Classification: Uncertain significance for Bardet-Biedl syndrome. Last evaluated: 2024-10-17. Review status: criteria provided, single submitter. Criteria: Invitae Variant Classification Sherloc (09022015). Collection method: clinical testing. Allele origin: germline.
Comment: This sequence change replaces valine, which is neutral and non-polar, with alanine, which is neutral and non-polar, at codon 437 of the TTC8 protein (p.Val437Ala). This variant is present in population databases (rs775992377, gnomAD 0.07%). This variant has not been reported in the literature in individuals affected with TTC8-related conditions. ClinVar contains an entry for this variant (Variation ID: 2153993). Invitae Evidence Modeling of protein sequence and biophysical properties (such as structural, functional, and spatial information, amino acid conservation, physicochemical variation, residue mobility, and thermodynamic stability) indicates that this missense variant is not expected to disrupt TTC8 protein function with a negative predictive value of 80%. In summary, the available evidence is currently insufficient to determine the role of this variant in disease. Therefore, it has been classified as a Variant of Uncertain Significance.

Fulgent Genetics
Classification: Uncertain significance for Retinitis pigmentosa 51; Bardet-Biedl syndrome 8. Last evaluated: 2024-01-02. Review status: criteria provided, single submitter. Criteria: ACMG Guidelines, 2015. Collection method: clinical testing. Allele origin: germline.

Blueprint Genetics
Classification: Uncertain significance. Last evaluated: 2023-05-23. Review status: criteria provided, single submitter. Criteria: ACMG Guidelines, 2015. Collection method: clinical testing. Allele origin: germline.